The following is an entry in ClinVar:

NM_000297.4(PKD2):c.752G>A (p.Arg251Gln)

Gene: PKD2 (polycystin 2, transient receptor potential cation channel; plus strand). Cytogenetic location: 4q22.1.
Variant type: single nucleotide variant.
Coding change: c.752G>A on transcript NM_000297.4 (MANE Select); coding-DNA position 752, G replaced by A.
Protein change: p.Arg251Gln; replaces arginine 251 with glutamine.
Molecular consequence: missense variant. On other transcripts: non-coding transcript variant (1).
Genome position (GRCh38, 1-based): chr4:88,036,262, G>A. VCF-style: chr4-88036262-G-A. GRCh37 (hg19) VCF-style: chr4-88957414-G-A.
Other names: short protein forms R251Q.
Identifiers: ClinVar variation 967129 (VCV000967129.10), dbSNP rs147000344, ClinGen allele CA3003794.
Genomic context (GRCh38, chr4:88,036,262, plus strand): 5'-GATCTTTCTGTGTTCCAGTGACCTACGGCATGATGAGCTCCAATGTGTACTACTACACCC[G>A]GATGATGTCACAGCTCTTCCTAGACACCCCCGTGTCCAAAACGGAGAAAACTAACTTTAA-3'
Protein context (NP_000288.1, residues 241-261): MMSSNVYYYT[Arg251Gln]MMSQLFLDTP

ClinVar aggregate classification (germline): Conflicting classifications of pathogenicity. Review status: criteria provided, conflicting classifications (1 of 4 stars). 3 submissions from 3 submitters: Uncertain significance (2); Likely benign (1). Last evaluated 2026-03-31.

Conditions:
Inborn genetic diseases. Identifiers: MedGen C0950123, MeSH D030342.
Autosomal dominant polycystic kidney disease. Identifiers: Orphanet 730, MedGen C0085413, MONDO:0004691.
PKD2-related disorder. Also called: PKD2-related condition.

Allele frequency attached by ClinVar (database versions not stated): 1000 Genomes Project 0.00020; gnomAD exomes 0.00005; ExAC 0.00006; gnomAD 0.00013 and 0.00014; ESP Exome Variant Server 0.00015; 1000 Genomes Project 30x 0.00016; TOPMed 0.00016.
gnomAD v4.1: 79 of 1,613,752 alleles (0.0049%); highest among the groups gnomAD compares: African/African-American, 0.029%; no homozygotes.

Submissions (3):

PreventionGenetics, part of Exact Sciences
Classification: Uncertain significance for PKD2-related condition. Last evaluated: 2026-03-31. Review status: criteria provided, single submitter. Criteria: ACMG Guidelines, 2015. Collection method: clinical testing. Allele origin: germline.
Comment: The PKD2 c.752G>A variant is predicted to result in the amino acid substitution p.Arg251Gln. This variant has been reported in an individual with chronic kidney disease (Supplemental Table 1, Lieberman et al. 2022. PubMed ID: 36128480). This variant is reported in 0.040% of alleles in individuals of African descent in gnomAD. Although we suspect that this variant may be benign, at this time, the clinical significance of this variant is uncertain due to the absence of conclusive functional and genetic evidence.

Labcorp Genetics (formerly Invitae), Labcorp
Classification: Likely benign for Autosomal dominant polycystic kidney disease. Last evaluated: 2025-10-16. Review status: criteria provided, single submitter. Criteria: Invitae Variant Classification Sherloc (09022015). Collection method: clinical testing. Allele origin: germline.

Ambry Genetics
Classification: Uncertain significance for Inborn genetic diseases. Last evaluated: 2021-11-24. Review status: criteria provided, single submitter. Criteria: Ambry Variant Classification Scheme 2023. Collection method: clinical testing. Allele origin: germline.